The following is an entry in ClinVar:

NM_021803.4(IL21):c.277G>A (p.Glu93Lys)

Gene: IL21 (interleukin 21; minus strand). Cytogenetic location: 4q27.
Variant type: single nucleotide variant.
Coding change: c.277G>A on transcript NM_021803.4 (MANE Select); coding-DNA position 277, G replaced by A.
Protein change: p.Glu93Lys; replaces glutamic acid 93 with lysine.
Molecular consequence: missense variant.
Genome position (GRCh38, 1-based): chr4:122,615,765, C>T on the plus strand (G>A on the coding strand, the complement: IL21 is on the minus strand). VCF-style: chr4-122615765-C-T. GRCh37 (hg19) VCF-style: chr4-123536920-C-T.
Other names: c.277G>A, p.Glu93Lys (NM_001207006.3); c.277G>A (NM_021803.2); short protein forms E93K.
Identifiers: ClinVar variation 856120 (VCV000856120.7), dbSNP rs747693305, ClinGen allele CA3069137.

ClinVar aggregate classification (germline): Uncertain significance. Review status: criteria provided, multiple submitters, no conflicts (2 of 4 stars). 2 submissions from 2 submitters: Uncertain significance (2). Last evaluated 2025-04-16.

Allele frequency attached by ClinVar (database versions not stated): gnomAD 0.00001; gnomAD exomes 0.00004 and 0.00008; ExAC 0.00005.
gnomAD v4.1: 25 of 1,613,644 alleles (0.0015%); highest among the groups gnomAD compares: Admixed American, 0.04%; no homozygotes.

Submissions (2):

Ambry Genetics
Classification: Uncertain significance. Last evaluated: 2025-04-16. Review status: criteria provided, single submitter. Criteria: Ambry Variant Classification Scheme 2023. Collection method: clinical testing. Allele origin: germline.

Labcorp Genetics (formerly Invitae), Labcorp
Classification: Uncertain significance. Last evaluated: 2025-03-04. Review status: criteria provided, single submitter. Criteria: Invitae Variant Classification Sherloc (09022015). Collection method: clinical testing. Allele origin: germline.
Comment: This sequence change replaces glutamic acid, which is acidic and polar, with lysine, which is basic and polar, at codon 93 of the IL21 protein (p.Glu93Lys). This variant is present in population databases (rs747693305, gnomAD 0.06%), and has an allele count higher than expected for a pathogenic variant. This variant has not been reported in the literature in individuals affected with IL21-related conditions. ClinVar contains an entry for this variant (Variation ID: 856120). An algorithm developed to predict the effect of missense changes on protein structure and function outputs the following: PolyPhen-2: "Benign". The lysine amino acid residue is found in multiple mammalian species, which suggests that this missense change does not adversely affect protein function. In summary, the available evidence is currently insufficient to determine the role of this variant in disease. Therefore, it has been classified as a Variant of Uncertain Significance.